The following is an entry in ClinVar:

ClinVar aggregate classification (germline): Uncertain significance. Review status: criteria provided, multiple submitters, no conflicts (2 of 4 stars). 2 submissions from 2 submitters: Uncertain significance (2). Last evaluated 2025-10-25.

Conditions:
DICER1-related tumor predisposition. Also called: DICER1-related pleuropulmonary blastoma cancer predisposition syndrome; DICER1 syndrome. Identifiers: Orphanet 284343, MedGen C3839822, MONDO:0100216.
Hereditary cancer-predisposing syndrome. Also called: Neoplastic Syndromes, Hereditary; Hereditary Cancer Syndrome; Hereditary neoplastic syndrome; Tumor predisposition. Identifiers: Orphanet 140162, MedGen C0027672, MeSH D009386, MONDO:0015356.

Allele frequency attached by ClinVar (database versions not stated): gnomAD exomes below 0.00001; TOPMed below 0.00001; gnomAD 0.00001.
gnomAD v4.1: 2 of 1,614,078 alleles (0.00012%); highest among the groups gnomAD compares: Non-Finnish European, 0.00017%; no homozygotes.

Submissions (2):

Labcorp Genetics (formerly Invitae), Labcorp
Classification: Uncertain significance for DICER1-related tumor predisposition. Last evaluated: 2025-10-25. Review status: criteria provided, single submitter. Criteria: Invitae Variant Classification Sherloc (09022015). Collection method: clinical testing. Allele origin: germline.
Comment: This sequence change replaces cysteine, which is neutral and slightly polar, with tyrosine, which is neutral and polar, at codon 1235 of the DICER1 protein (p.Cys1235Tyr). This variant is not present in population databases (gnomAD no frequency). This variant has not been reported in the literature in individuals affected with DICER1-related conditions. ClinVar contains an entry for this variant (Variation ID: 824101). Invitae Evidence Modeling of protein sequence and biophysical properties (such as structural, functional, and spatial information, amino acid conservation, physicochemical variation, residue mobility, and thermodynamic stability) indicates that this missense variant is not expected to disrupt DICER1 protein function with a negative predictive value of 95%. In summary, the available evidence is currently insufficient to determine the role of this variant in disease. Therefore, it has been classified as a Variant of Uncertain Significance.

Ambry Genetics
Classification: Uncertain significance for Hereditary cancer-predisposing syndrome. Last evaluated: 2024-10-24. Review status: criteria provided, single submitter. Criteria: Ambry Variant Classification Scheme 2023. Collection method: clinical testing. Allele origin: germline.
Comment: The p.C1235Y variant (also known as c.3704G>A), located in coding exon 20 of the DICER1 gene, results from a G to A substitution at nucleotide position 3704. The cysteine at codon 1235 is replaced by tyrosine, an amino acid with highly dissimilar properties. This amino acid position is highly conserved in available vertebrate species. In addition, this alteration is predicted to be deleterious by in silico analysis. Since supporting evidence is limited at this time, the clinical significance of this alteration remains unclear.

NM_177438.3(DICER1):c.3704G>A (p.Cys1235Tyr)

Gene: DICER1 (dicer 1, ribonuclease III; minus strand). Cytogenetic location: 14q32.13.
Variant type: single nucleotide variant.
Coding change: c.3704G>A on transcript NM_177438.3 (MANE Select); coding-DNA position 3704, G replaced by A.
Protein change: p.Cys1235Tyr; replaces cysteine 1235 with tyrosine.
Molecular consequence: missense variant.
Genome position (GRCh38, 1-based): chr14:95,103,692, C>T on the plus strand (G>A on the coding strand, the complement: DICER1 is on the minus strand). VCF-style: chr14-95103692-C-T. GRCh37 (hg19) VCF-style: chr14-95570029-C-T.
Other names: c.3704G>A, p.Cys1235Tyr (NM_001195573.1, NM_001271282.3, NM_001291628.2 and 1 more transcripts); short protein forms C1235Y.
Identifiers: ClinVar variation 824101 (VCV000824101.11), dbSNP rs1464737401, ClinGen allele CA390874284.